The following is an entry in ClinVar:

ClinVar aggregate classification (germline): Uncertain significance (1 of 4 stars; one submission).

Allele frequency attached by ClinVar (database versions not stated): gnomAD exomes below 0.00001.
gnomAD v4.1: 2 of 1,613,726 alleles (0.00012%); highest among the groups gnomAD compares: Non-Finnish European, 0.00017%; no homozygotes.

Submission:

Ambry Genetics
Classification: Uncertain significance. Last evaluated: 2023-09-23. Review status: criteria provided, single submitter. Criteria: Ambry Variant Classification Scheme 2023. Collection method: clinical testing. Allele origin: germline.
Comment: The p.P207S variant (also known as c.619C>T), located in coding exon 4 of the MNDA gene, results from a C to T substitution at nucleotide position 619. The proline at codon 207 is replaced by serine, an amino acid with similar properties. This amino acid position is conserved. In addition, this alteration is predicted to be tolerated by in silico analysis. Since supporting evidence is limited at this time, the clinical significance of this alteration remains unclear.

NM_002432.3(MNDA):c.619C>T (p.Pro207Ser)

Gene: MNDA (myeloid cell nuclear differentiation antigen; plus strand). Cytogenetic location: 1q23.1.
Variant type: single nucleotide variant.
Coding change: c.619C>T on transcript NM_002432.3 (MANE Select); coding-DNA position 619, C replaced by T.
Protein change: p.Pro207Ser; replaces proline 207 with serine.
Molecular consequence: missense variant.
Genome position (GRCh38, 1-based): chr1:158,845,635, C>T. VCF-style: chr1-158845635-C-T. GRCh37 (hg19) VCF-style: chr1-158815425-C-T.
Other names: short protein forms P207S.
Identifiers: ClinVar variation 3222203 (VCV003222203.1), dbSNP rs2102051761, ClinGen allele CA343040789.